The following is an entry in ClinVar:

ClinVar aggregate classification (germline): Uncertain significance (1 of 4 stars; one submission).

gnomAD v4.1: 3 of 1,610,626 alleles (0.00019%); highest among the groups gnomAD compares: East Asian, 0.0067%; no homozygotes.

Submission:

Labcorp Genetics (formerly Invitae), Labcorp
Classification: Uncertain significance. Last evaluated: 2025-10-19. Review status: criteria provided, single submitter. Criteria: Invitae Variant Classification Sherloc (09022015). Collection method: clinical testing. Allele origin: germline.
Comment: This sequence change replaces arginine, which is basic and polar, with tryptophan, which is neutral and slightly polar, at codon 98 of the BMP2 protein (p.Arg98Trp). The frequency data for this variant in the population databases is considered unreliable, as metrics indicate poor data quality at this position in the gnomAD database. This variant has not been reported in the literature in individuals affected with BMP2-related conditions. An algorithm developed to predict the effect of missense changes on protein structure and function (PolyPhen-2) suggests that this variant is likely to be disruptive. In summary, the available evidence is currently insufficient to determine the role of this variant in disease. Therefore, it has been classified as a Variant of Uncertain Significance.

NM_001200.4(BMP2):c.292C>T (p.Arg98Trp)

Gene: BMP2 (bone morphogenetic protein 2; plus strand). Cytogenetic location: 20p12.3.
Variant type: single nucleotide variant.
Coding change: c.292C>T on transcript NM_001200.4 (MANE Select); coding-DNA position 292, C replaced by T.
Protein change: p.Arg98Trp; replaces arginine 98 with tryptophan.
Molecular consequence: missense variant.
Genome position (GRCh38, 1-based): chr20:6,770,418, C>T. VCF-style: chr20-6770418-C-T. GRCh37 (hg19) VCF-style: chr20-6751065-C-T.
Other names: short protein forms R98W.
Identifiers: ClinVar variation 4696342 (VCV004696342.1).